The following is an entry in ClinVar:

NM_015474.4(SAMHD1):c.1384C>A (p.Pro462Thr)

Gene: SAMHD1 (SAM and HD domain containing deoxynucleoside triphosphate triphosphohydrolase 1; minus strand). Cytogenetic location: 20q11.23.
Variant type: single nucleotide variant.
Coding change: c.1384C>A on transcript NM_015474.4 (MANE Select); coding-DNA position 1384, C replaced by A.
Protein change: p.Pro462Thr; replaces proline 462 with threonine.
Molecular consequence: missense variant.
Genome position (GRCh38, 1-based): chr20:36,905,390, G>T on the plus strand (C>A on the coding strand, the complement: SAMHD1 is on the minus strand). VCF-style: chr20-36905390-G-T. GRCh37 (hg19) VCF-style: chr20-35533793-G-T.
Other names: c.1384C>A, p.Pro462Thr (NM_001363729.2, NM_001363733.2); short protein forms P462T.
Identifiers: ClinVar variation 1045658 (VCV001045658.9), dbSNP rs1215408383, ClinGen allele CA408842164.

ClinVar aggregate classification (germline): Uncertain significance. Review status: criteria provided, single submitter (1 of 4 stars). 2 submissions from 2 submitters: Uncertain significance (1). 1 of the submissions does not count toward it. Last evaluated 2020-10-25.

Conditions:
Aicardi Goutieres syndrome (AGS). Also called: Encephalopathy, familial infantile, with calcification of basal ganglia and chronic cerebrospinal fluid lymphocytosis. Identifiers: Orphanet 51, MedGen C0393591, MONDO:0018866.
Aicardi-Goutieres syndrome 5. Identifiers: Orphanet 51, MedGen C2749659, MONDO:0013059, OMIM 612952.

Allele frequency attached by ClinVar (database versions not stated): gnomAD exomes below 0.00001 and 0.00001.
gnomAD v4.1: 8 of 1,613,976 alleles (0.0005%); highest among the groups gnomAD compares: Non-Finnish European, 0.00059%; no homozygotes.

Submissions (2):

Labcorp Genetics (formerly Invitae), Labcorp
Classification: Uncertain significance for Aicardi-Goutieres syndrome 5. Last evaluated: 2020-10-25. Review status: criteria provided, single submitter. Criteria: Invitae Variant Classification Sherloc (09022015). Collection method: clinical testing. Allele origin: germline.
Comment: In summary, the available evidence is currently insufficient to determine the role of this variant in disease. Therefore, it has been classified as a Variant of Uncertain Significance. Algorithms developed to predict the effect of missense changes on protein structure and function are either unavailable or do not agree on the potential impact of this missense change (SIFT: "Deleterious"; PolyPhen-2: "Benign"; Align-GVGD: "Class C0"). This variant has not been reported in the literature in individuals with SAMHD1-related conditions. This variant is not present in population databases (ExAC no frequency). This sequence change replaces proline with threonine at codon 462 of the SAMHD1 protein (p.Pro462Thr). The proline residue is highly conserved and there is a small physicochemical difference between proline and threonine.

Natera, Inc.
Classification: Uncertain significance for Aicardi-Goutieres syndrome. Last evaluated: 2020-06-30. Review status: no assertion criteria provided. Collection method: clinical testing. Allele origin: germline. Not counted in ClinVar's aggregate classification.